The following is an entry in ClinVar:

NM_001369.3(DNAH5):c.4648C>T (p.Gln1550Ter)

Genes: DNAH5 (dynein axonemal heavy chain 5; minus strand), DNAH5-AS1 (DNAH5 antisense RNA 1; plus strand). Cytogenetic location: 5p15.2.
Variant type: single nucleotide variant.
Coding change: c.4648C>T on transcript NM_001369.3 (MANE Select); coding-DNA position 4648, C replaced by T.
Protein change: p.Gln1550Ter; replaces glutamine 1550 with a stop codon.
Molecular consequence: nonsense.
Genome position (GRCh38, 1-based): chr5:13,862,696, G>A on the plus strand (C>T on the coding strand, the complement: DNAH5 is on the minus strand). VCF-style: chr5-13862696-G-A. GRCh37 (hg19) VCF-style: chr5-13862805-G-A.
Other names: short protein forms Q1550*.
Identifiers: ClinVar variation 1726801 (VCV001726801.5), dbSNP rs2546974004, ClinGen allele CA359222250.

ClinVar aggregate classification (germline): Pathogenic/Likely pathogenic. Review status: criteria provided, multiple submitters, no conflicts (2 of 4 stars). 2 submissions from 2 submitters: Pathogenic (1); Likely pathogenic (1). Last evaluated 2023-10-09.

Conditions:
Primary ciliary dyskinesia. Also called: Ciliary dyskinesia. Identifiers: Orphanet 244, MedGen C0008780, MONDO:0016575, HP:0012265.
Primary ciliary dyskinesia 3. Identifiers: Orphanet 244, MedGen C1837618, MONDO:0012085, OMIM 608644.

Allele frequency attached by ClinVar (database versions not stated): gnomAD exomes below 0.00001.
gnomAD v4.1: 1 of 1,613,890 alleles (0.000062%); highest among the groups gnomAD compares: Non-Finnish European, 0.000085%; no homozygotes.

Submissions (2):

Labcorp Genetics (formerly Invitae), Labcorp
Classification: Pathogenic for Primary ciliary dyskinesia. Last evaluated: 2023-10-09. Review status: criteria provided, single submitter. Criteria: Invitae Variant Classification Sherloc (09022015). Collection method: clinical testing. Allele origin: germline.
Comment: This sequence change creates a premature translational stop signal (p.Gln1550*) in the DNAH5 gene. It is expected to result in an absent or disrupted protein product. Loss-of-function variants in DNAH5 are known to be pathogenic (PMID: 11788826, 16627867). This variant is not present in population databases (gnomAD no frequency). This variant has not been reported in the literature in individuals affected with DNAH5-related conditions. ClinVar contains an entry for this variant (Variation ID: 1726801). Algorithms developed to predict the effect of sequence changes on RNA splicing suggest that this variant may create or strengthen a splice site. For these reasons, this variant has been classified as Pathogenic.

Myriad Genetics, Inc.
Classification: Likely pathogenic for Primary ciliary dyskinesia 3. Last evaluated: 2022-01-02. Review status: criteria provided, single submitter. Criteria: Myriad Women's Health Autosomal Recessive and X-Linked Classification Criteria (2021). Collection method: clinical testing. Allele origin: unknown.
Comment: NM_001369.2(DNAH5):c.4648C>T(Q1550*) is expected to be pathogenic in the context of DNAH5-related primary ciliary dyskinesia. This variant is predicted to lead to an abnormal or absent protein product due to the creation of a premature termination codon in DNAH5, a gene where loss-of-function variants are known to be pathogenic. Please note: this variant was assessed in the context of healthy population screening.

Literature cited by the submitters: PubMed 11788826 (cited by Labcorp Genetics (formerly Invitae), Labcorp); PubMed 16627867 (cited by Labcorp Genetics (formerly Invitae), Labcorp).